The following is an entry in ClinVar:

ClinVar aggregate classification (germline): Likely benign. Review status: criteria provided, multiple submitters, no conflicts (2 of 4 stars). 4 submissions from 4 submitters: Likely benign (4). Last evaluated 2026-08-01.

Conditions:
Cardiovascular phenotype. Identifiers: MedGen CN230736.
Dilated cardiomyopathy 1G (CMD1G). Identifiers: Orphanet 154, MedGen C1858763, MONDO:0011400, OMIM 604145.
Autosomal recessive limb-girdle muscular dystrophy type 2J (LGMDR10). Also called: Limb-girdle muscular dystrophy, type 2J; MUSCULAR DYSTROPHY, LIMB-GIRDLE, AUTOSOMAL RECESSIVE 10. Identifiers: Orphanet 140922, MedGen C1837342, MONDO:0012127, OMIM 608807.

Allele frequency attached by ClinVar (database versions not stated): ExAC 0.00002; gnomAD exomes 0.00002; TOPMed 0.00002.
gnomAD v4.1: 16 of 1,613,936 alleles (0.00099%); highest among the groups gnomAD compares: Middle Eastern, 0.017%; no homozygotes.

Submissions (4):

CeGaT Center for Human Genetics Tuebingen
Classification: Likely benign. Last evaluated: 2026-08-01. Review status: criteria provided, single submitter. Criteria: CeGaT Center For Human Genetics Tuebingen Variant Classification Criteria Version 2. Collection method: clinical testing. Allele origin: germline. Affected: yes. Observed: 1 variant allele.
Comment: TTN: BP4, BP7

Labcorp Genetics (formerly Invitae), Labcorp
Classification: Likely benign for Dilated cardiomyopathy 1G; Autosomal recessive limb-girdle muscular dystrophy type 2J. Last evaluated: 2025-11-21. Review status: criteria provided, single submitter. Criteria: Invitae Variant Classification Sherloc (09022015). Collection method: clinical testing. Allele origin: germline.

Ambry Genetics
Classification: Likely benign for Cardiovascular phenotype. Last evaluated: 2022-03-25. Review status: criteria provided, single submitter. Criteria: Ambry Variant Classification Scheme 2023. Collection method: clinical testing. Allele origin: germline.

GeneDx
Classification: Likely benign. Last evaluated: 2021-01-18. Review status: criteria provided, single submitter. Criteria: GeneDx Variant Classification Process June 2021. Collection method: clinical testing. Allele origin: germline. Affected: yes.

NM_001267550.2(TTN):c.90228G>A (p.Thr30076=)

Genes: TTN (titin; minus strand), TTN-AS1 (TTN antisense RNA 1; plus strand). Cytogenetic location: 2q31.2.
Variant type: single nucleotide variant.
Coding change: c.90228G>A on transcript NM_001267550.2 (MANE Select); coding-DNA position 90228, G replaced by A.
Protein change: p.Thr30076=; no amino-acid change (threonine 30076 retained).
Molecular consequence: synonymous variant.
Genome position (GRCh38, 1-based): chr2:178,552,672, C>T on the plus strand (G>A on the coding strand, the complement: TTN is on the minus strand). VCF-style: chr2-178552672-C-T. GRCh37 (hg19) VCF-style: chr2-179417399-C-T.
Other names: c.85305G>A, p.Thr28435= (NM_001256850.1); c.63033G>A, p.Thr21011= (NM_003319.4); c.82524G>A, p.Thr27508= (NM_133378.4); c.63408G>A, p.Thr21136= (NM_133432.3); c.63609G>A, p.Thr21203= (NM_133437.4).
Identifiers: ClinVar variation 1127836 (VCV001127836.14), dbSNP rs778516869, ClinGen allele CA1987816.
Genomic context (GRCh38, chr2:178,552,672, plus strand): 5'-CTGCTCCTTAAGTTGGCTAACCTCAATTTCACATGTCTTACTTATGCCAGCGTGGGACCA[C>T]GTCTGTTCACCTTTACCTTTCCTTTCTACAACATATTCTGTGATGACGCTACCACCATCA-3'
Protein context (NP_001254479.2, residues 30066-30086): VVERKGKGEQ[Thr30076=]WSHAGISKTC